The following is an entry in ClinVar:

ClinVar aggregate classification (germline): Uncertain significance (1 of 4 stars; one submission).

Submission:

Labcorp Genetics (formerly Invitae), Labcorp
Classification: Uncertain significance. Last evaluated: 2025-01-18. Review status: criteria provided, single submitter. Criteria: Invitae Variant Classification Sherloc (09022015). Collection method: clinical testing. Allele origin: germline.
Comment: This sequence change replaces serine, which is neutral and polar, with phenylalanine, which is neutral and non-polar, at codon 1512 of the MYH9 protein (p.Ser1512Phe). This variant is not present in population databases (gnomAD no frequency). This variant has not been reported in the literature in individuals affected with MYH9-related conditions. Invitae Evidence Modeling of protein sequence and biophysical properties (such as structural, functional, and spatial information, amino acid conservation, physicochemical variation, residue mobility, and thermodynamic stability) has been performed for this missense variant. However, the output from this modeling did not meet the statistical confidence thresholds required to predict the impact of this variant on MYH9 protein function. In summary, the available evidence is currently insufficient to determine the role of this variant in disease. Therefore, it has been classified as a Variant of Uncertain Significance.

NM_002473.6(MYH9):c.4535C>T (p.Ser1512Phe)

Gene: MYH9 (myosin heavy chain 9; minus strand). Cytogenetic location: 22q12.3.
Variant type: single nucleotide variant.
Coding change: c.4535C>T on transcript NM_002473.6 (MANE Select); coding-DNA position 4535, C replaced by T.
Protein change: p.Ser1512Phe; replaces serine 1512 with phenylalanine.
Molecular consequence: missense variant.
Genome position (GRCh38, 1-based): chr22:36,289,107, G>A on the plus strand (C>T on the coding strand, the complement: MYH9 is on the minus strand). VCF-style: chr22-36289107-G-A. GRCh37 (hg19) VCF-style: chr22-36685153-G-A.
Other names: short protein forms S1512F.
Identifiers: ClinVar variation 3719663 (VCV003719663.2).
Genomic context (GRCh38, chr22:36,289,107, plus strand): 5'-GCCCTTCCCAAGACCTGGCTGCCAGGCCCAGGACTCACACTCTTGCCCACATCATCCTTG[G>A]AGCTCATAAGGTCCTCCATCTCCGTGCGGAACTGCTTGTTGAGCCGCTCCAGCTCCGCCT-3'
Protein context (NP_002464.1, residues 1502-1522): FRTEMEDLMS[Ser1512Phe]KDDVGKSVHE